The following is an entry in ClinVar:

ClinVar aggregate classification (germline): Conflicting classifications of pathogenicity. Review status: criteria provided, conflicting classifications (1 of 4 stars). 3 submissions from 3 submitters: Uncertain significance (2); Likely benign (1). Last evaluated 2024-09-21.

Conditions:
Dilated cardiomyopathy 1C (CMD1C). Also called: CARDIOMYOPATHY, DILATED, 1C, WITH OR WITHOUT LEFT VENTRICULAR NONCOMPACTION; Cardiomyopathy, dilated, 1C, with or without LVNC. Identifiers: Orphanet 154, Orphanet 54260, MedGen C1832244, MONDO:0011094, OMIM 601493.
Myofibrillar myopathy 4. Also called: Zaspopathy (type). Identifiers: Orphanet 98912, MedGen C4721886, MONDO:0012277, OMIM 609452.
Cardiovascular phenotype. Identifiers: MedGen CN230736.

Allele frequency attached by ClinVar (database versions not stated): gnomAD exomes 0.00004 and 0.00003; gnomAD 0.00001; ExAC 0.00007; TOPMed 0.00001.
gnomAD v4.1: 61 of 1,613,926 alleles (0.0038%); highest among the groups gnomAD compares: South Asian, 0.016%; 1 homozygote.

Submissions (3):

Labcorp Genetics (formerly Invitae), Labcorp
Classification: Uncertain significance for Myofibrillar myopathy 4. Last evaluated: 2024-09-21. Review status: criteria provided, single submitter. Criteria: Invitae Variant Classification Sherloc (09022015). Collection method: clinical testing. Allele origin: germline.
Comment: The LDB3 gene has multiple clinically relevant transcripts. This variant occurs in alternate transcript NM_007078.3, and corresponds to NM_001080116.1:c.*26821C>T in the primary transcript. This sequence change affects codon 679 of the LDB3 mRNA. It is a 'silent' change, meaning that it does not change the encoded amino acid sequence of the LDB3 protein. This variant is present in population databases (rs754386652, gnomAD 0.01%). This variant has been observed in individual(s) with clinical features of LDB3-related conditions (PMID: 30847666). Experimental studies and prediction algorithms are not available or were not evaluated, and the effect of this variant on mRNA splicing is currently unknown. In summary, the available evidence is currently insufficient to determine the role of this variant in disease. Therefore, it has been classified as a Variant of Uncertain Significance.

Ambry Genetics
Classification: Likely benign for Cardiovascular phenotype. Last evaluated: 2023-11-07. Review status: criteria provided, single submitter. Criteria: Ambry Variant Classification Scheme 2023. Collection method: clinical testing. Allele origin: germline.

Fulgent Genetics
Classification: Uncertain significance for Dilated cardiomyopathy 1C; Myofibrillar myopathy 4. Last evaluated: 2021-09-28. Review status: criteria provided, single submitter. Criteria: ACMG Guidelines, 2015. Collection method: clinical testing. Allele origin: unknown.

Literature cited by the submitters: PubMed 30847666 (cited by Labcorp Genetics (formerly Invitae), Labcorp).

NM_007078.3(LDB3):c.2037C>T (p.Gly679=)

Gene: LDB3 (LIM domain binding 3; plus strand). Cytogenetic location: 10q23.2.
Variant type: single nucleotide variant.
Coding change: c.2037C>T on transcript NM_007078.3 (MANE Select); coding-DNA position 2037, C replaced by T.
Protein change: p.Gly679=; no amino-acid change (glycine 679 retained).
Molecular consequence: synonymous variant.
Genome position (GRCh38, 1-based): chr10:86,726,195, C>T. VCF-style: chr10-86726195-C-T. GRCh37 (hg19) VCF-style: chr10-88485952-C-T.
Other names: c.1707C>T, p.Gly569= (NM_001080114.2); c.2052C>T, p.Gly684= (NM_001171610.2); c.1848C>T, p.Gly616= (NM_001368064.1, NM_001368065.1); c.1896C>T, p.Gly632= (NM_001368066.1).
Identifiers: ClinVar variation 1002404 (VCV001002404.12), dbSNP rs754386652, ClinGen allele CA5585304.